The following is an entry in ClinVar:

NM_000038.6(APC):c.7300del (p.Arg2434fs)

Gene: APC (APC regulator of Wnt signaling pathway; plus strand). Cytogenetic location: 5q22.2.
Variant type: Deletion.
Coding change: c.7300del on transcript NM_000038.6 (MANE Select); coding-DNA position 7300, one base deleted (A; older notation c.7300delA).
Protein change: p.Arg2434fs; shifts the reading frame from arginine 2434.
Molecular consequence: frameshift variant. On other transcripts: non-coding transcript variant (2).
Genome position (GRCh38, 1-based): chr5:112,842,894, A deleted; the last of 3 consecutive A bases (chr5:112,842,892-112,842,894); deleting any one gives the same sequence. VCF-style (leftmost placement, unchanged base first): chr5-112842891-GA-G. GRCh37 (hg19) VCF-style: chr5-112178588-GA-G.
Other names: c.7300del, p.Arg2434fs (NM_001127510.3, NM_001354895.2, NM_001407450.1); c.7246del, p.Arg2416fs (NM_001127511.3); c.7354del, p.Arg2452fs (NM_001354896.2, NM_001407447.1, NM_001407448.1 and 1 more transcripts); c.7330del, p.Arg2444fs (NM_001354897.2); c.7225del, p.Arg2409fs (NM_001354898.2); c.7216del, p.Arg2406fs (NM_001354899.2); c.7177del, p.Arg2393fs (NM_001354900.2); c.7123del, p.Arg2375fs (NM_001354901.2, NM_001407453.1); and 11 more; short protein forms R2050fs, R2151fs, R2274fs, R2305fs, R2308fs, R2333fs, R2343fs, R2351fs.
Identifiers: ClinVar variation 2583429 (VCV002583429.2), dbSNP rs2533783025, ClinGen allele CA2582341623.

ClinVar aggregate classification (germline): Pathogenic/Likely pathogenic. Review status: criteria provided, multiple submitters, no conflicts (2 of 4 stars). 2 submissions from 2 submitters: Pathogenic (1); Likely pathogenic (1). Last evaluated 2023-10-18.

Conditions:
Familial adenomatous polyposis 1 (FAP1). Also called: POLYPOSIS, ADENOMATOUS INTESTINAL; FAMILIAL ADENOMATOUS POLYPOSIS 1, ATTENUATED. Identifiers: MedGen C2713442, MONDO:0021056, OMIM 175100. Disease mechanism: loss of function.

Submissions (2):

Baylor Genetics
Classification: Likely pathogenic for Familial adenomatous polyposis 1. Last evaluated: 2023-10-18. Review status: criteria provided, single submitter. Criteria: ACMG Guidelines, 2015. Collection method: clinical testing. Allele origin: unknown.

Myriad Genetics, Inc.
Classification: Pathogenic for Familial adenomatous polyposis 1. Last evaluated: 2023-05-16. Review status: criteria provided, single submitter. Criteria: Myriad Autosomal Dominant, Autosomal Recessive and X-Linked Classification Criteria (2023). Collection method: clinical testing. Allele origin: unknown.
Comment: This variant is considered pathogenic. This variant creates a frameshift predicted to result in premature protein truncation.